The following is an entry in ClinVar:

ClinVar aggregate classification (germline): Likely benign (1 of 4 stars; one submission).

Allele frequency attached by ClinVar (database versions not stated): 1000 Genomes Project 30x 0.00016; ESP Exome Variant Server 0.00023.
gnomAD v4.1: 584 of 1,588,966 alleles (0.037%); highest among the groups gnomAD compares: Middle Eastern, 0.35%; 1 homozygote.

Submission:

CeGaT Center for Human Genetics Tuebingen
Classification: Likely benign. Last evaluated: 2022-10-01. Review status: criteria provided, single submitter. Criteria: CeGaT Center For Human Genetics Tuebingen Variant Classification Criteria Version 2. Collection method: clinical testing. Allele origin: germline. Affected: yes. Observed: 1 variant allele.
Comment: ZC3H18: BP4, BP7

NM_144604.4(ZC3H18):c.2049G>A (p.Thr683=)

Gene: ZC3H18 (zinc finger CCCH-type containing 18; plus strand). Cytogenetic location: 16q24.2.
Variant type: single nucleotide variant.
Coding change: c.2049G>A on transcript NM_144604.4 (MANE Select); coding-DNA position 2049, G replaced by A.
Protein change: p.Thr683=; no amino-acid change (threonine 683 retained).
Molecular consequence: synonymous variant.
Genome position (GRCh38, 1-based): chr16:88,625,208, G>A. VCF-style: chr16-88625208-G-A. GRCh37 (hg19) VCF-style: chr16-88691616-G-A.
Other names: c.2121G>A, p.Thr707= (NM_001294340.2).
Identifiers: ClinVar variation 2646981 (VCV002646981.24), dbSNP rs139603213, ClinGen allele CA8227539.